The following is an entry in ClinVar:

ClinVar aggregate classification (germline): Uncertain significance. Review status: criteria provided, multiple submitters, no conflicts (2 of 4 stars). 3 submissions from 3 submitters: Uncertain significance (3). Last evaluated 2023-03-06.

Conditions:
Succinyl-CoA acetoacetate transferase deficiency (SCOTD). Also called: KETOACIDOSIS DUE TO SCOT DEFICIENCY; Succinyl CoA:3-oxoacid CoA transferase deficiency; SCOT DEFICIENCY; SUCCINYL-CoA:3-KETOACID CoA-TRANSFERASE DEFICIENCY; 3-Oxoacid CoA Transferase Deficiency. Identifiers: Orphanet 832, MedGen C0342792, MONDO:0009492, OMIM 245050.

Allele frequency attached by ClinVar (database versions not stated): gnomAD 0.00005; ESP Exome Variant Server 0.00008.
gnomAD v4.1: 29 of 1,608,992 alleles (0.0018%); highest among the groups gnomAD compares: Middle Eastern, 0.017%; no homozygotes.

Submissions (3):

GeneDx
Classification: Uncertain significance. Last evaluated: 2023-03-06. Review status: criteria provided, single submitter. Criteria: GeneDx Variant Classification Process June 2021. Collection method: clinical testing. Allele origin: germline. Affected: yes.
Comment: In silico analysis supports that this missense variant has a deleterious effect on protein structure/function; Has not been previously published as pathogenic or benign to our knowledge

Labcorp Genetics (formerly Invitae), Labcorp
Classification: Uncertain significance for Succinyl-CoA acetoacetate transferase deficiency. Last evaluated: 2021-09-17. Review status: criteria provided, single submitter. Criteria: Invitae Variant Classification Sherloc (09022015). Collection method: clinical testing. Allele origin: germline.
Comment: This sequence change replaces threonine with arginine at codon 457 of the OXCT1 protein (p.Thr457Arg). The threonine residue is weakly conserved and there is a moderate physicochemical difference between threonine and arginine. This variant is not present in population databases (ExAC no frequency). This variant has not been reported in the literature in individuals affected with OXCT1-related conditions. Algorithms developed to predict the effect of missense changes on protein structure and function are either unavailable or do not agree on the potential impact of this missense change (SIFT: "Tolerated"; PolyPhen-2: "Possibly Damaging"; Align-GVGD: "Class C0"). In summary, the available evidence is currently insufficient to determine the role of this variant in disease. Therefore, it has been classified as a Variant of Uncertain Significance.

Revvity Omics, Revvity
Classification: Uncertain significance for Succinyl-CoA acetoacetate transferase deficiency. Last evaluated: 2020-06-23. Review status: criteria provided, single submitter. Criteria: ACMG Guidelines, 2015. Collection method: clinical testing. Allele origin: germline.

NM_000436.4(OXCT1):c.1370C>G (p.Thr457Arg)

Gene: OXCT1 (3-oxoacid CoA-transferase 1; minus strand). Cytogenetic location: 5p13.1.
Variant type: single nucleotide variant.
Coding change: c.1370C>G on transcript NM_000436.4 (MANE Select); coding-DNA position 1370, C replaced by G.
Protein change: p.Thr457Arg; replaces threonine 457 with arginine.
Molecular consequence: missense variant. On other transcripts: non-coding transcript variant (1).
Genome position (GRCh38, 1-based): chr5:41,749,576, G>C on the plus strand (C>G on the coding strand, the complement: OXCT1 is on the minus strand). VCF-style: chr5-41749576-G-C. GRCh37 (hg19) VCF-style: chr5-41749678-G-C.
Other names: c.1391C>G, p.Thr464Arg (NM_001364299.2, NM_001364300.2); c.1364C>G, p.Thr455Arg (NM_001364301.2); c.1280C>G, p.Thr427Arg (NM_001364302.2); c.812C>G, p.Thr271Arg (NM_001364303.2); c.1370C>G (NM_000436.3); short protein forms T455R, T457R, T271R, T427R, T464R.
Identifiers: ClinVar variation 1404673 (VCV001404673.8), dbSNP rs369643387, ClinGen allele CA117819514.
Genomic context (GRCh38, chr5:41,749,576, plus strand): 5'-GCACTTTTTACCTTTTCAGTAATAATGCGGTTGACACATTGCTTTCCAGTCAATGGTAAT[G>C]TACATTTCTCCATGATTTTATGTGCATTTCCCTGTTTTAAAAAGAAAACATCAAAAAGAG-3'
Protein context (NP_000427.1, residues 447-467): GNAHKIMEKC[Thr457Arg]LPLTGKQCVN